The following is an entry in ClinVar:

NM_014251.3(SLC25A13):c.1173dup (p.Arg392Ter)

Gene: SLC25A13 (solute carrier family 25 member 13; minus strand). Cytogenetic location: 7q21.3.
Variant type: Duplication.
Coding change: c.1173dup on transcript NM_014251.3 (MANE Select); coding-DNA position 1173, one base duplicated (T; older notation c.1173dupT).
Protein change: p.Arg392Ter; replaces arginine 392 with a stop codon.
Molecular consequence: nonsense. On other transcripts: non-coding transcript variant (1).
Genome position (GRCh38, 1-based): chr7:96,184,281, A duplicated on the plus strand (T on the coding strand, the reverse complement: SLC25A13 is on the minus strand). VCF-style (leftmost placement, unchanged base first): chr7-96184280-T-TA. GRCh37 (hg19) VCF-style: chr7-95813592-T-TA.
Other names: c.1176dup, p.Arg393Ter (NM_001160210.2); short protein forms R392*, R393*.
Identifiers: ClinVar variation 1071593 (VCV001071593.7), dbSNP rs1794536022, ClinGen allele CA1727574975.
Genomic context (GRCh38, chr7:96,184,280, plus strand): 5'-GAAACCAAACCTTTGAGTGTTATTTCACCTAACAGGTATTGAGCATGTGGCACTAACCTC[T>TA]ATACAGTCCAAAGAAGCCTTCATAGCGTAGCACTTTCTTAAAACAGTCAAAGCTGTTTTT-3'

ClinVar aggregate classification (germline): Pathogenic (1 of 4 stars; one submission).

Conditions:
Citrin deficiency. Identifiers: Orphanet 247582, MedGen C1997910, MONDO:0016602.

Allele frequency attached by ClinVar (database versions not stated): TOPMed below 0.00001.

Submission:

Labcorp Genetics (formerly Invitae), Labcorp
Classification: Pathogenic for Citrin deficiency. Last evaluated: 2023-02-28. Review status: criteria provided, single submitter. Criteria: Invitae Variant Classification Sherloc (09022015). Collection method: clinical testing. Allele origin: germline.
Comment: For these reasons, this variant has been classified as Pathogenic. ClinVar contains an entry for this variant (Variation ID: 1071593). This variant has not been reported in the literature in individuals affected with SLC25A13-related conditions. This variant is not present in population databases (gnomAD no frequency). This sequence change creates a premature translational stop signal (p.Arg392*) in the SLC25A13 gene. It is expected to result in an absent or disrupted protein product. Loss-of-function variants in SLC25A13 are known to be pathogenic (PMID: 10369257, 14680984, 27405544).

Literature cited by the submitters: PubMed 10369257; PubMed 14680984; PubMed 27405544.